The following is an entry in ClinVar:

NM_004055.5(CAPN5):c.515G>T (p.Gly172Val)

Gene: CAPN5 (calpain 5; plus strand). Cytogenetic location: 11q13.5.
Variant type: single nucleotide variant.
Coding change: c.515G>T on transcript NM_004055.5 (MANE Select); coding-DNA position 515, G replaced by T.
Protein change: p.Gly172Val; replaces glycine 172 with valine.
Molecular consequence: missense variant.
Genome position (GRCh38, 1-based): chr11:77,114,250, G>T. VCF-style: chr11-77114250-G-T. GRCh37 (hg19) VCF-style: chr11-76825296-G-T.
Other names: c.635G>T, p.Gly212Val (NM_001425321.1); c.515G>T, p.Gly172Val (NM_001425322.1); c.383G>T, p.Gly128Val (NM_001425323.1); short protein forms G212V, G172V, G128V.
Identifiers: ClinVar variation 2797234 (VCV002797234.3), dbSNP rs2496283384, ClinGen allele CA381937680.
Genomic context (GRCh38, chr11:77,114,250, plus strand): 5'-GCAGCCTGGCTGGGGAGCATGAGCTGGGAAGTCTTTCCACATTGCTTCCCAGACTGGCAG[G>T]CTGTTACCAGGCCCTGGATGGAGGCAACACAGCAGACGCACTGGTGGACTTCACGGGTGG-3'
Protein context (NP_004046.2, residues 162-182): LVEKAYAKLA[Gly172Val]CYQALDGGNT

ClinVar aggregate classification (germline): Uncertain significance (1 of 4 stars; one submission).

Submission:

Labcorp Genetics (formerly Invitae), Labcorp
Classification: Uncertain significance. Last evaluated: 2023-11-19. Review status: criteria provided, single submitter. Criteria: Invitae Variant Classification Sherloc (09022015). Collection method: clinical testing. Allele origin: germline.
Comment: This sequence change replaces glycine, which is neutral and non-polar, with valine, which is neutral and non-polar, at codon 172 of the CAPN5 protein (p.Gly172Val). This variant is not present in population databases (gnomAD no frequency). This variant has not been reported in the literature in individuals affected with CAPN5-related conditions. Advanced modeling of protein sequence and biophysical properties (such as structural, functional, and spatial information, amino acid conservation, physicochemical variation, residue mobility, and thermodynamic stability) performed at Invitae indicates that this missense variant is expected to disrupt CAPN5 protein function with a positive predictive value of 80%. Algorithms developed to predict the effect of sequence changes on RNA splicing suggest that this variant may create or strengthen a splice site. In summary, the available evidence is currently insufficient to determine the role of this variant in disease. Therefore, it has been classified as a Variant of Uncertain Significance.